The following is an entry in ClinVar:

NM_001206744.2(TPO):c.501C>T (p.Gly167=)

Gene: TPO (thyroid peroxidase; plus strand). Cytogenetic location: 2p25.3.
Variant type: single nucleotide variant.
Coding change: c.501C>T on transcript NM_001206744.2 (MANE Select); coding-DNA position 501, C replaced by T.
Protein change: p.Gly167=; no amino-acid change (glycine 167 retained).
Molecular consequence: synonymous variant.
Genome position (GRCh38, 1-based): chr2:1,453,712, C>T. VCF-style: chr2-1453712-C-T. GRCh37 (hg19) VCF-style: chr2-1457484-C-T.
Other names: c.501C>T, p.Gly167= (NM_000547.6, NM_001206745.2, NM_175719.4 and 2 more transcripts).
Identifiers: ClinVar variation 756292 (VCV000756292.13), dbSNP rs370072872, ClinGen allele CA1511466.

ClinVar aggregate classification (germline): Conflicting classifications of pathogenicity. Review status: criteria provided, conflicting classifications (1 of 4 stars). 3 submissions from 3 submitters: Uncertain significance (1); Benign (1). 1 of the submissions does not count toward it. Last evaluated 2026-01-31.

Conditions:
TPO-related disorder. Also called: TPO-related condition.
Deficiency of iodide peroxidase (TDH2A). Also called: THYROID HORMONOGENESIS, GENETIC DEFECT IN, 2A; THYROID PEROXIDASE DEFICIENCY; Thyroid dyshormonogenesis 2A; HYPOTHYROIDISM, CONGENITAL, DUE TO DYSHORMONOGENESIS, 2A; IODIDE PEROXIDASE DEFICIENCY. Identifiers: Orphanet 95716, MedGen C1291299, MONDO:0010133, OMIM 274500.

Allele frequency attached by ClinVar (database versions not stated): ESP Exome Variant Server 0.00008; TOPMed 0.00012; gnomAD 0.00015 and 0.00036; gnomAD exomes 0.00076; ExAC 0.00078; 1000 Genomes Project 30x 0.00141; 1000 Genomes Project 0.00160.
gnomAD v4.1: 671 of 1,613,966 alleles (0.042%); highest among the groups gnomAD compares: South Asian, 0.52%; 7 homozygotes.

Submissions (3):

Labcorp Genetics (formerly Invitae), Labcorp
Classification: Benign. Last evaluated: 2026-01-31. Review status: criteria provided, single submitter. Criteria: Invitae Variant Classification Sherloc (09022015). Collection method: clinical testing. Allele origin: germline.

Illumina Laboratory Services, Illumina
Classification: Uncertain significance for Deficiency of iodide peroxidase. Last evaluated: 2018-01-13. Review status: criteria provided, single submitter. Criteria: ICSL Variant Classification Criteria 13 December 2019. Collection method: clinical testing. Allele origin: germline.

PreventionGenetics, part of Exact Sciences
Classification: Likely benign for TPO-related condition. Last evaluated: 2019-08-27. Review status: no assertion criteria provided. Collection method: clinical testing. Allele origin: germline. Not counted in ClinVar's aggregate classification.
Comment: This variant is classified as likely benign based on ACMG/AMP sequence variant interpretation guidelines (Richards et al. 2015 PMID: 25741868, with internal and published modifications).